The following is an entry in ClinVar:

NM_005628.3(SLC1A5):c.758A>T (p.Glu253Val)

Gene: SLC1A5 (solute carrier family 1 member 5; minus strand). Cytogenetic location: 19q13.32.
Variant type: single nucleotide variant.
Coding change: c.758A>T on transcript NM_005628.3 (MANE Select); coding-DNA position 758, A replaced by T.
Protein change: p.Glu253Val; replaces glutamic acid 253 with valine.
Molecular consequence: missense variant.
Genome position (GRCh38, 1-based): chr19:46,782,449, T>A on the plus strand (A>T on the coding strand, the complement: SLC1A5 is on the minus strand). VCF-style: chr19-46782449-T-A. GRCh37 (hg19) VCF-style: chr19-47285706-T-A.
Other names: c.74A>T, p.Glu25Val (NM_001145144.2); c.152A>T, p.Glu51Val (NM_001145145.2); short protein forms E253V, E25V, E51V.
Identifiers: ClinVar variation 3034063 (VCV003034063.2), dbSNP rs142211617, ClinGen allele CA9532636.
Genomic context (GRCh38, chr19:46,782,449, plus strand): 5'-ATCCAGGAGACCAGAACCATGGTGGCCTCATTGAAGGAGTTGAAGAAGCGGATAAGCAGC[T>A]CCCCTTCAGGCCCCAGCTTCCGCAGCGCCACACCAAAGACGATGGCAAACACTACCAAGC-3'
Protein context (NP_005619.1, residues 243-263): VALRKLGPEG[Glu253Val]LLIRFFNSFN

ClinVar aggregate classification (germline): Benign (0 of 4 stars; one submission).

Conditions:
SLC1A5-related disorder. Also called: SLC1A5-related condition.

Allele frequency attached by ClinVar (database versions not stated): 1000 Genomes Project 0.00040; 1000 Genomes Project 30x 0.00047; TOPMed 0.00113; gnomAD 0.00121; gnomAD exomes 0.00184; ExAC 0.00231.
gnomAD v4.1: 2,832 of 1,608,034 alleles (0.18%); highest among the groups gnomAD compares: Non-Finnish European, 0.19%; 9 homozygotes.

Submission:

PreventionGenetics, part of Exact Sciences
Classification: Benign for SLC1A5-related condition. Last evaluated: 2019-11-26. Review status: no assertion criteria provided. Collection method: clinical testing. Allele origin: germline.
Comment: This variant is classified as benign based on ACMG/AMP sequence variant interpretation guidelines (Richards et al. 2015 PMID: 25741868, with internal and published modifications).